The following is an entry in ClinVar:

ClinVar aggregate classification (germline): Uncertain significance. Review status: criteria provided, multiple submitters, no conflicts (2 of 4 stars). 2 submissions from 2 submitters: Uncertain significance (2). Last evaluated 2025-03-01.

Conditions:
Brugada syndrome 5 (BRGDA5). Identifiers: Orphanet 130, Orphanet 871, MedGen C2748541, MONDO:0013015, OMIM 612838.

Allele frequency attached by ClinVar (database versions not stated): gnomAD 0.00001; gnomAD exomes 0.00001 and 0.00002; TOPMed 0.00001 and 0.00002; ExAC 0.00002.
gnomAD v4.1: 17 of 1,613,648 alleles (0.0011%); highest among the groups gnomAD compares: South Asian, 0.011%; no homozygotes.

Submissions (2):

Labcorp Genetics (formerly Invitae), Labcorp
Classification: Uncertain significance for Brugada syndrome 5. Last evaluated: 2025-03-01. Review status: criteria provided, single submitter. Criteria: Invitae Variant Classification Sherloc (09022015). Collection method: clinical testing. Allele origin: germline.
Comment: This sequence change replaces glycine, which is neutral and non-polar, with arginine, which is basic and polar, at codon 19 of the SCN1B protein (p.Gly19Arg). This variant is present in population databases (rs771386831, gnomAD 0.01%). This missense change has been observed in individual(s) with epilepsy (PMID: 31069529). ClinVar contains an entry for this variant (Variation ID: 2683490). Experimental studies and prediction algorithms are not available or were not evaluated, and the functional significance of this variant is currently unknown. In summary, the available evidence is currently insufficient to determine the role of this variant in disease. Therefore, it has been classified as a Variant of Uncertain Significance.

Mayo Clinic Laboratories, Mayo Clinic
Classification: Uncertain significance. Last evaluated: 2022-11-17. Review status: criteria provided, single submitter. Criteria: ACMG Guidelines, 2015. Collection method: clinical testing. Allele origin: germline. Observed: 1 variant allele.
Comment: PP3

Literature cited by the submitters: PubMed 31069529 (cited by Labcorp Genetics (formerly Invitae), Labcorp and Mayo Clinic Laboratories, Mayo Clinic).

NM_001037.5(SCN1B):c.55G>A (p.Gly19Arg)

Gene: SCN1B (sodium voltage-gated channel beta subunit 1; plus strand). Cytogenetic location: 19q13.11.
Variant type: single nucleotide variant.
Coding change: c.55G>A on transcript NM_001037.5 (MANE Select); coding-DNA position 55, G replaced by A.
Protein change: p.Gly19Arg; replaces glycine 19 with arginine.
Molecular consequence: missense variant. On other transcripts: 5 prime UTR variant (1).
Genome position (GRCh38, 1-based): chr19:35,032,542, G>A. VCF-style: chr19-35032542-G-A. GRCh37 (hg19) VCF-style: chr19-35523446-G-A.
Other names: p.Gly19Arg; c.-45G>A (NM_001321605.2); c.55G>A, p.Gly19Arg (NM_199037.5); short protein forms G19R.
Identifiers: ClinVar variation 2683490 (VCV002683490.4), dbSNP rs771386831, ClinGen allele CA9371945.